The following is an entry in ClinVar:

NM_001371279.1(REEP1):c.106-1G>A

Gene: REEP1 (receptor accessory protein 1; minus strand). Cytogenetic location: 2p11.2.
Variant type: single nucleotide variant.
Coding change: c.106-1G>A on transcript NM_001371279.1 (MANE Select); the canonical splice acceptor site of the intron before coding-DNA position 106, G replaced by A.
Molecular consequence: splice acceptor variant.
Genome position (GRCh38, 1-based): chr2:86,264,042, C>T on the plus strand (G>A on the coding strand, the complement: REEP1 is on the minus strand). VCF-style: chr2-86264042-C-T. GRCh37 (hg19) VCF-style: chr2-86491165-C-T.
Other names: c.127-1G>A (NM_001164730.2); c.25-1G>A (NM_001164731.2); c.106-1G>A (NM_001164732.2, NM_001371280.1, NM_022912.3 and 2 more transcripts).
Identifiers: ClinVar variation 3650738 (VCV003650738.2).

ClinVar aggregate classification (germline): Pathogenic (1 of 4 stars; one submission).

Conditions:
Hereditary spastic paraplegia 31. Also called: SPASTIC PARAPLEGIA 31, AUTOSOMAL DOMINANT. Identifiers: Orphanet 101011, MedGen C1853247, MONDO:0012453, OMIM 610250.

Submission:

Labcorp Genetics (formerly Invitae), Labcorp
Classification: Pathogenic for Hereditary spastic paraplegia 31. Last evaluated: 2024-04-24. Review status: criteria provided, single submitter. Criteria: Invitae Variant Classification Sherloc (09022015). Collection method: clinical testing. Allele origin: germline.
Comment: This sequence change affects an acceptor splice site in intron 2 of the REEP1 gene. It is expected to disrupt RNA splicing. Variants that disrupt the donor or acceptor splice site typically lead to a loss of protein function (PMID: 16199547), and loss-of-function variants in REEP1 are known to be pathogenic (PMID: 18321925, 18644145, 32655478). This variant is not present in population databases (gnomAD no frequency). Disruption of this splice site has been observed in individuals with clinical features of REEP1-related conditions (Invitae). Algorithms developed to predict the effect of sequence changes on RNA splicing suggest that this variant may disrupt the consensus splice site. For these reasons, this variant has been classified as Pathogenic.

Literature cited by the submitters: PubMed 16199547; PubMed 18321925; PubMed 18644145; PubMed 32655478.